The following is an entry in ClinVar:

NM_001035.3(RYR2):c.10547A>G (p.Gln3516Arg)

Gene: RYR2 (ryanodine receptor 2; plus strand). Cytogenetic location: 1q43.
Variant type: single nucleotide variant.
Coding change: c.10547A>G on transcript NM_001035.3 (MANE Select); coding-DNA position 10547, A replaced by G.
Protein change: p.Gln3516Arg; replaces glutamine 3516 with arginine.
Molecular consequence: missense variant.
Genome position (GRCh38, 1-based): chr1:237,718,514, A>G. VCF-style: chr1-237718514-A-G. GRCh37 (hg19) VCF-style: chr1-237881814-A-G.
Other names: short protein forms Q3516R.
Identifiers: ClinVar variation 4881804 (VCV004881804.2).

ClinVar aggregate classification (germline): Uncertain significance (1 of 4 stars; one submission).

Submission:

Dasa
Classification: Uncertain significance. Last evaluated: 2026-01-05. Review status: criteria provided, single submitter. Criteria: DASA Assertion Criteria. Collection method: clinical testing. Allele origin: germline.
Comment: NM_001035.3(RYR2):c.10547A>G (p.Gln3516Arg) is a missense variant that results in the substitution of glutamine with arginine. This variant is rare in population databases. The currently available literature and clinical evidence are not sufficient to establish a definitive association between this variant and the reported condition. Therefore, this variant is classified as a variant of uncertain significance.